The following is an entry in ClinVar:

ClinVar aggregate classification (germline): Uncertain significance. Review status: criteria provided, multiple submitters, no conflicts (2 of 4 stars). 3 submissions from 3 submitters: Uncertain significance (3). Last evaluated 2023-12-01.

Allele frequency attached by ClinVar (database versions not stated): ExAC 0.00005; gnomAD 0.00005; TOPMed 0.00006.
gnomAD v4.1: 24 of 1,613,240 alleles (0.0015%); highest among the groups gnomAD compares: East Asian, 0.0067%; no homozygotes.

Submissions (3):

Blueprint Genetics
Classification: Uncertain significance. Last evaluated: 2023-12-01. Review status: criteria provided, single submitter. Criteria: ACMG Guidelines, 2015. Collection method: clinical testing. Allele origin: germline.

GeneDx
Classification: Uncertain significance. Last evaluated: 2023-07-26. Review status: criteria provided, single submitter. Criteria: GeneDx Variant Classification Process June 2021. Collection method: clinical testing. Allele origin: germline. Affected: yes.
Comment: In silico analysis supports that this missense variant has a deleterious effect on protein structure/function; Has not been previously published as pathogenic or benign to our knowledge

Labcorp Genetics (formerly Invitae), Labcorp
Classification: Uncertain significance. Last evaluated: 2021-12-02. Review status: criteria provided, single submitter. Criteria: Invitae Variant Classification Sherloc (09022015). Collection method: clinical testing. Allele origin: germline.
Comment: This sequence change replaces alanine, which is neutral and non-polar, with threonine, which is neutral and polar, at codon 300 of the GFM1 protein (p.Ala300Thr). This variant is present in population databases (rs753396715, gnomAD 0.03%). This variant has not been reported in the literature in individuals affected with GFM1-related conditions. Advanced modeling of protein sequence and biophysical properties (such as structural, functional, and spatial information, amino acid conservation, physicochemical variation, residue mobility, and thermodynamic stability) performed at Invitae indicates that this missense variant is expected to disrupt GFM1 protein function. In summary, the available evidence is currently insufficient to determine the role of this variant in disease. Therefore, it has been classified as a Variant of Uncertain Significance.

NM_024996.7(GFM1):c.898G>A (p.Ala300Thr)

Gene: GFM1 (G elongation factor mitochondrial 1; plus strand). Cytogenetic location: 3q25.32.
Variant type: single nucleotide variant.
Coding change: c.898G>A on transcript NM_024996.7 (MANE Select); coding-DNA position 898, G replaced by A.
Protein change: p.Ala300Thr; replaces alanine 300 with threonine.
Molecular consequence: missense variant. On other transcripts: non-coding transcript variant (4).
Genome position (GRCh38, 1-based): chr3:158,653,367, G>A. VCF-style: chr3-158653367-G-A. GRCh37 (hg19) VCF-style: chr3-158371156-G-A.
Other names: c.955G>A, p.Ala319Thr (NM_001308164.2, NM_001374355.1); c.898G>A, p.Ala300Thr (NM_001308166.2); c.781G>A, p.Ala261Thr (NM_001374356.1); c.673G>A, p.Ala225Thr (NM_001374357.1); c.439G>A, p.Ala147Thr (NM_001374358.1); c.331G>A, p.Ala111Thr (NM_001374359.1, NM_001374360.1); c.214G>A, p.Ala72Thr (NM_001374361.1); c.898G>A (NM_024996.5); short protein forms A147T, A225T, A72T, A111T, A261T, A319T, A300T.
Identifiers: ClinVar variation 1431877 (VCV001431877.4), dbSNP rs753396715, ClinGen allele CA2682452.